The following is an entry in ClinVar:

ClinVar aggregate classification (germline): Uncertain significance. Review status: criteria provided, multiple submitters, no conflicts (2 of 4 stars). 2 submissions from 2 submitters: Uncertain significance (2). Last evaluated 2026-01-27.

Conditions:
POLD1-related polyposis and colorectal cancer syndrome (CRCS10). Also called: Colorectal cancer 10; COLORECTAL CANCER, SUSCEPTIBILITY TO, ON CHROMOSOME 19q; Colorectal cancer, susceptibility to, 10. Identifiers: Orphanet 220460, MedGen C2675481, MONDO:0012953, OMIM 612591.
Hereditary cancer-predisposing syndrome. Also called: Neoplastic Syndromes, Hereditary; Hereditary neoplastic syndrome; Tumor predisposition; Hereditary Cancer Syndrome. Identifiers: Orphanet 140162, MedGen C0027672, MeSH D009386, MONDO:0015356.

Allele frequency attached by ClinVar (database versions not stated): gnomAD exomes below 0.00001.
gnomAD v4.1: 1 of 1,552,540 alleles (0.000064%); highest among the groups gnomAD compares: Non-Finnish European, 0.000087%; no homozygotes.

Submissions (2):

Labcorp Genetics (formerly Invitae), Labcorp
Classification: Uncertain significance for POLD1-related polyposis and colorectal cancer syndrome. Last evaluated: 2026-01-27. Review status: criteria provided, single submitter. Criteria: Invitae Variant Classification Sherloc (09022015). Collection method: clinical testing. Allele origin: germline.
Comment: This sequence change affects a donor splice site in intron 23 of the POLD1 gene. Missense variants that disrupt the 3'-5' exonuclease (proof-reading) activity of the POLD1 protein are associated with PPAP (polymerase proofreading–associated polyposis) (PMID: 23263490, 23447401). However, loss-of-function variants that result in an absent or severely disrupted POLD1 protein, and missense variants outside the exonuclease domain, are unlikely to be associated with PPAP. This variant is not present in population databases (gnomAD no frequency). This variant has not been reported in the literature in individuals affected with POLD1-related conditions. ClinVar contains an entry for this variant (Variation ID: 469313). Studies have shown that disruption of this splice site results in skipping of exon 23 and introduces a premature termination codon (internal data). The resulting mRNA is expected to undergo nonsense-mediated decay. In summary, the available evidence is currently insufficient to determine the role of this variant in disease. Therefore, it has been classified as a Variant of Uncertain Significance.

Ambry Genetics
Classification: Uncertain significance for Hereditary cancer-predisposing syndrome. Last evaluated: 2024-12-20. Review status: criteria provided, single submitter. Criteria: Ambry Variant Classification Scheme 2023. Collection method: clinical testing. Allele origin: germline.
Comment: The c.2953+1G>A intronic variant results from a G to A substitution one nucleotide after coding exon 22 of the POLD1 gene. This nucleotide position is highly conserved in available vertebrate species. In silico splice site analysis predicts that this alteration will weaken the native splice donor site. Alterations that disrupt the canonical splice site are expected to cause aberrant splicing, resulting in an abnormal protein or a transcript that is subject to nonsense-mediated mRNA decay. However, loss of function of POLD1 has not been established as a mechanism of disease. Based on the available evidence, the clinical significance of this alteration remains unclear.

Literature cited by the submitters: PubMed 23263490 (cited by Labcorp Genetics (formerly Invitae), Labcorp); PubMed 23447401 (cited by Labcorp Genetics (formerly Invitae), Labcorp).

NM_002691.4(POLD1):c.2953+1G>A

Gene: POLD1 (DNA polymerase delta 1, catalytic subunit; plus strand). Cytogenetic location: 19q13.33.
Variant type: single nucleotide variant.
Coding change: c.2953+1G>A on transcript NM_002691.4 (MANE Select); the canonical splice donor site of the intron after coding-DNA position 2953, G replaced by A.
Molecular consequence: splice donor variant.
Genome position (GRCh38, 1-based): chr19:50,416,529, G>A. VCF-style: chr19-50416529-G-A. GRCh37 (hg19) VCF-style: chr19-50919786-G-A.
Other names: c.2953+1G>A (NM_001256849.1); c.3031+1G>A (NM_001308632.1).
Identifiers: ClinVar variation 469313 (VCV000469313.12), dbSNP rs1555793361, ClinGen allele CA406986715.